The following is an entry in ClinVar:

NM_000274.4(OAT):c.159del (p.His53fs)

Gene: OAT (ornithine aminotransferase; minus strand). Cytogenetic location: 10q26.13.
Variant type: Deletion.
Coding change: c.159del on transcript NM_000274.4 (MANE Select); coding-DNA position 159, one base deleted (C; older notation c.159delC).
Protein change: p.His53fs; shifts the reading frame from histidine 53.
Molecular consequence: frameshift variant. On other transcripts: intron variant (2).
Genome position (GRCh38, 1-based): chr10:124,412,013, G deleted on the plus strand (C on the coding strand, the reverse complement: OAT is on the minus strand). VCF-style (leftmost placement, unchanged base first): chr10-124412012-TG-T. GRCh37 (hg19) VCF-style: chr10-126100581-TG-T.
Other names: c.159delC (NM_000274.3); c.159del, p.His53fs (NM_001322965.2, NM_001322966.2, NM_001322967.2 and 4 more transcripts); c.-215-3048del (NM_001171814.2); c.-515-3048del (NM_001322974.2); short protein forms H53fs.
Identifiers: ClinVar variation 147 (VCV000000147.20), dbSNP rs386833599, ClinGen allele CA212723.

ClinVar aggregate classification (germline): Pathogenic. Review status: criteria provided, multiple submitters, no conflicts (2 of 4 stars). 8 submissions from 8 submitters: Pathogenic (4). 4 of the submissions do not count toward it. Last evaluated 2026-01-12.

Conditions:
Ornithine aminotransferase deficiency (GACR). Also called: HYPERORNITHINEMIA WITH GYRATE ATROPHY OF CHOROID AND RETINA; OKT DEFICIENCY; Ornithine ketoacid aminotransferase deficiency; Gyrate atrophy; Gyrate atrophy of choroid and retina; Girate atrophy of the retina. Identifiers: Orphanet 414, MedGen C0018425, MONDO:0009796, OMIM 258870.

Allele frequency attached by ClinVar (database versions not stated): gnomAD exomes below 0.00001; TOPMed below 0.00001; ExAC 0.00001.

Submissions (8):

Labcorp Genetics (formerly Invitae), Labcorp
Classification: Pathogenic for Ornithine aminotransferase deficiency. Last evaluated: 2026-01-12. Review status: criteria provided, single submitter. Criteria: Invitae Variant Classification Sherloc (09022015). Collection method: clinical testing. Allele origin: germline.
Comment: This sequence change creates a premature translational stop signal (p.His53Glnfs*8) in the OAT gene. It is expected to result in an absent or disrupted protein product. Loss-of-function variants in OAT are known to be pathogenic (PMID: 1737786, 23076989). This variant is present in population databases (rs386833599, gnomAD 0.0009%). This premature translational stop signal has been observed in individual(s) with gyrate atrophy (PMID: 1737786, 28388263). ClinVar contains an entry for this variant (Variation ID: 147). For these reasons, this variant has been classified as Pathogenic.

Natera, Inc.
Classification: Pathogenic for Gyrate atrophy. Last evaluated: 2025-12-16. Review status: criteria provided, single submitter. Criteria: Natera Variant Classification Schema (03/2026). Collection method: clinical testing. Allele origin: germline.
Comment: The c.159delC variant in OAT is a frameshift variant predicted to shift the reading frame beginning at codon 53 and leads to a stop codon 8 codons downstream. This variant is expected to result in nonsense mediated decay, truncation, or a dysfunctional protein product. This variant is rare in the general population with a frequency below the threshold expected for the associated phenotype(s). This variant has been observed in one or more individuals affected with the associated recessive disease, as either homozygous or compound heterozygous with a second variant (PMID: 1737786, 28388263). Given the available evidence, this variant is classified as Pathogenic.

Fulgent Genetics
Classification: Pathogenic for Ornithine aminotransferase deficiency. Last evaluated: 2024-06-21. Review status: criteria provided, single submitter. Criteria: ACMG Guidelines, 2015. Collection method: clinical testing. Allele origin: germline.

Baylor Genetics
Classification: Pathogenic for Ornithine aminotransferase deficiency. Last evaluated: 2024-03-24. Review status: criteria provided, single submitter. Criteria: ACMG Guidelines, 2015. Collection method: clinical testing. Allele origin: unknown.

Sharon lab, Hadassah-Hebrew University Medical Center
Classification: Pathogenic for Gyrate Atrophy. Last evaluated: 2019-06-23. Review status: no assertion criteria provided. Collection method: research. Allele origin: inherited. Affected: yes. Not counted in ClinVar's aggregate classification.

Counsyl
Classification: Pathogenic for Ornithine aminotransferase deficiency. Last evaluated: 2018-06-07. Review status: no assertion criteria provided. Collection method: clinical testing. Allele origin: unknown. Not counted in ClinVar's aggregate classification.

OMIM
Classification: Pathogenic for GYRATE ATROPHY OF CHOROID AND RETINA. Last evaluated: 1992-02-15. Review status: no assertion criteria provided. Collection method: literature only. Allele origin: germline. Not counted in ClinVar's aggregate classification.

Juha Muilu Group; Institute for Molecular Medicine Finland (FIMM)
Classification: Likely pathogenic for Ornithine aminotransferase deficiency. Review status: no assertion criteria provided. Collection method: not provided. Allele origin: unknown. Not counted in ClinVar's aggregate classification.
Comment: FinDis database variant: This variant was not found or characterized by our laboratory, data were collected from public sources: see reference
ClinVar note: Converted during submission from probable-pathogenic to Likely pathogenic.

Literature cited by the submitters: PubMed 1737786 (cited by 4 submitters); PubMed 23076989 (cited by Labcorp Genetics (formerly Invitae), Labcorp); PubMed 28388263 (cited by 3 submitters); PubMed 3339136 (cited by OMIM).